The following is an entry in ClinVar:

ClinVar aggregate classification (germline): Uncertain significance (1 of 4 stars; one submission).

Submission:

GeneDx
Classification: Uncertain significance. Last evaluated: 2021-05-28. Review status: criteria provided, single submitter. Criteria: GeneDx Variant Classification Process June 2021. Collection method: clinical testing. Allele origin: germline. Affected: yes.
Comment: Not observed at significant frequency in large population cohorts (Lek et al., 2016); In silico analysis supports that this missense variant has a deleterious effect on protein structure/function; Has not been previously published as pathogenic or benign to our knowledge; This variant is associated with the following publications: (PMID: 27535533)

NM_005159.5(ACTC1):c.214C>T (p.Pro72Ser)

Genes: ACTC1 (actin alpha cardiac muscle 1; minus strand), GJD2-DT (GJD2 divergent transcript; plus strand). Cytogenetic location: 15q14.
Variant type: single nucleotide variant.
Coding change: c.214C>T on transcript NM_005159.5 (MANE Select); coding-DNA position 214, C replaced by T.
Protein change: p.Pro72Ser; replaces proline 72 with serine.
Molecular consequence: missense variant.
Genome position (GRCh38, 1-based): chr15:34,793,485, G>A on the plus strand (C>T on the coding strand, the complement: ACTC1 is on the minus strand). VCF-style: chr15-34793485-G-A. GRCh37 (hg19) VCF-style: chr15-35085686-G-A.
Other names: short protein forms P72S.
Identifiers: ClinVar variation 1193017 (VCV001193017.2), dbSNP rs2140432138, ClinGen allele CA391631915.